The following is an entry in ClinVar:

NM_000360.4(TH):c.291_292del (p.Arg98fs)

Gene: TH (tyrosine hydroxylase; minus strand). Cytogenetic location: 11p15.5.
Variant type: Deletion.
Coding change: c.291_292del on transcript NM_000360.4 (MANE Select); coding-DNA positions 291 to 292, 2 bases deleted (CC; older notation c.291_292delCC).
Protein change: p.Arg98fs; shifts the reading frame from arginine 98.
Molecular consequence: frameshift variant.
Genome position (GRCh38, 1-based): chr11:2,169,670-2,169,671, GG deleted on the plus strand (CC on the coding strand, the reverse complement: TH is on the minus strand); deleting any 2 consecutive bases within chr11:2,169,670-2,169,672 gives the same sequence; the c. name uses the placement nearest the transcript's 3' end. VCF-style (leftmost placement, unchanged base first): chr11-2169669-CGG-C. GRCh37 (hg19) VCF-style: chr11-2190899-CGG-C.
Other names: c.384_385del, p.Arg129fs (NM_199292.3); c.372_373del, p.Arg125fs (NM_199293.3); short protein forms R125fs, R129fs, R98fs.
Identifiers: ClinVar variation 1725335 (VCV001725335.2), dbSNP rs2495828312, ClinGen allele CA2580082699.

ClinVar aggregate classification (germline): Likely pathogenic (1 of 4 stars; one submission).

Conditions:
TH-deficient dopa-responsive dystonia. Also called: Segawa syndrome, autosomal recessive; DYT-TH; Tyrosine Hydroxylase-Deficient Dopa-Responsive Dystonia. Identifiers: Orphanet 101150, MedGen C2673535, MONDO:0011551, OMIM 605407.

Submission:

Myriad Genetics, Inc.
Classification: Likely pathogenic for TH-deficient dopa-responsive dystonia. Last evaluated: 2022-03-17. Review status: criteria provided, single submitter. Criteria: Myriad Women's Health Autosomal Recessive and X-Linked Classification Criteria (2021). Collection method: clinical testing. Allele origin: unknown.
Comment: NM_199292.2(TH):c.384_385delCC(R129Sfs*6) is expected to be pathogenic in the context of tyrosine hydroxylase deficiency. This variant is predicted to lead to an abnormal or absent protein product due to the creation of a premature termination codon in TH, a gene where loss-of-function variants are known to be pathogenic. Please note: this variant was assessed in the context of healthy population screening.